The following is an entry in ClinVar:

ClinVar aggregate classification (germline): Pathogenic/Likely pathogenic. Review status: criteria provided, multiple submitters, no conflicts (2 of 4 stars). 2 submissions from 2 submitters: Pathogenic (1); Likely pathogenic (1). Last evaluated 2025-05-12.

Conditions:
Walker-Warburg congenital muscular dystrophy. Also called: Muscular dystrophy-dystroglycanopathy, type A; Walker-Warburg syndrome. Identifiers: Orphanet 899, MedGen C0265221, MONDO:0000171.
Dilated cardiomyopathy 1X (CMD1X). Also called: FKTN-Related Dilated Cardiomyopathy; CARDIOMYOPATHY, DILATED, WITH MILD OR NO PROXIMAL MUSCLE WEAKNESS. Identifiers: Orphanet 154, MedGen C1969024, MONDO:0012704, OMIM 611615.

Submissions (2):

Labcorp Genetics (formerly Invitae), Labcorp
Classification: Pathogenic for Walker-Warburg congenital muscular dystrophy. Last evaluated: 2025-05-12. Review status: criteria provided, single submitter. Criteria: Invitae Variant Classification Sherloc (09022015). Collection method: clinical testing. Allele origin: germline.
Comment: This sequence change creates a premature translational stop signal (p.Pro341Argfs*9) in the FKTN gene. It is expected to result in an absent or disrupted protein product. Loss-of-function variants in FKTN are known to be pathogenic (PMID: 17044012, 17878207, 18752264). This variant is not present in population databases (gnomAD no frequency). This variant has not been reported in the literature in individuals affected with FKTN-related conditions. ClinVar contains an entry for this variant (Variation ID: 1068744). For these reasons, this variant has been classified as Pathogenic.

Baylor Genetics
Classification: Likely pathogenic for Dilated cardiomyopathy 1X. Last evaluated: 2023-07-09. Review status: criteria provided, single submitter. Criteria: ACMG Guidelines, 2015. Collection method: clinical testing. Allele origin: unknown.

Literature cited by the submitters: PubMed 17044012 (cited by Labcorp Genetics (formerly Invitae), Labcorp); PubMed 17878207 (cited by Labcorp Genetics (formerly Invitae), Labcorp); PubMed 18752264 (cited by Labcorp Genetics (formerly Invitae), Labcorp).

NM_001079802.2(FKTN):c.1022del (p.Pro341fs)

Gene: FKTN (fukutin; plus strand). Cytogenetic location: 9q31.2.
Variant type: Deletion.
Coding change: c.1022del on transcript NM_001079802.2 (MANE Select); coding-DNA position 1022, one base deleted (C; older notation c.1022delC).
Protein change: p.Pro341fs; shifts the reading frame from proline 341.
Molecular consequence: frameshift variant. On other transcripts: non-coding transcript variant (1).
Genome position (GRCh38, 1-based): chr9:105,618,070, C deleted; the last of 2 consecutive C bases (chr9:105,618,069-105,618,070); deleting either gives the same sequence. VCF-style (leftmost placement, unchanged base first): chr9-105618068-TC-T. GRCh37 (hg19) VCF-style: chr9-108380349-TC-T.
Other names: c.1022del, p.Pro341fs (NM_001198963.2, NM_001351496.2, NM_001351498.2 and 1 more transcripts); c.953del, p.Pro318fs (NM_001351497.2); c.626del, p.Pro209fs (NM_001351499.2, NM_001351500.2, NM_001351501.2 and 1 more transcripts); short protein forms P209fs, P318fs, P341fs.
Identifiers: ClinVar variation 1068744 (VCV001068744.8), dbSNP rs2133163213, ClinGen allele CA2499219537.
Genomic context (GRCh38, chr9:105,618,068, plus strand): 5'-AGGAATTTTTATACAAGATTACAAATCTGATATTATTTTAGCATTTCAGGATGCAGGACT[TC>T]CGCTCAAACACAAATTTGGGAAGGTCAGTAACAAAAGTCGGCTTCATTTCATAAGTAACA-3'